The following is an entry in ClinVar:

NM_000051.4(ATM):c.8686_8694del (p.Gln2896_Lys2898del)

Genes: ATM (ATM serine/threonine kinase; plus strand), C11orf65 (chromosome 11 open reading frame 65; minus strand). Cytogenetic location: 11q22.3.
Variant type: Deletion.
Coding change: c.8686_8694del on transcript NM_000051.4 (MANE Select); coding-DNA positions 8686 to 8694, 9 bases deleted (CAGGGCAAA; older notation c.8686_8694delCAGGGCAAA).
Protein change: p.Gln2896_Lys2898del.
Molecular consequence: inframe deletion. On other transcripts: intron variant (2).
Genome position (GRCh38, 1-based): chr11:108,353,780-108,353,788, CAGGGCAAA deleted; deleting any 9 consecutive bases within chr11:108,353,778-108,353,788 gives the same sequence; the c. name uses the placement nearest the transcript's 3' end. VCF-style (leftmost placement, unchanged base first): chr11-108353777-GAACAGGGCA-G. GRCh37 (hg19) VCF-style: chr11-108224504-GAACAGGGCA-G.
Other names: c.8686_8694del, p.Gln2896_Lys2898del (NM_001351834.2); c.640+32134_640+32142del (NM_001330368.2); c.695-18494_695-18486del (NM_001351110.2).
Identifiers: ClinVar variation 407673 (VCV000407673.10), dbSNP rs1060501671, ClinGen allele CA16613173.

ClinVar aggregate classification (germline): Uncertain significance (1 of 4 stars; one submission).

Conditions:
Ataxia-telangiectasia syndrome (AT). Also called: LOUIS-BAR SYNDROME; Cerebello-oculocutaneous telangiectasia; Immunodeficiency with ataxia telangiectasia; Ataxia-telangiectasia, complementation group D; AT, COMPLEMENTATION GROUP C; Ataxia-telangiectasia, complementation group E. Identifiers: Orphanet 100, MedGen C0004135, MONDO:0008840, OMIM 208900.

Submission:

Labcorp Genetics (formerly Invitae), Labcorp
Classification: Uncertain significance for Ataxia-telangiectasia syndrome. Last evaluated: 2020-05-27. Review status: criteria provided, single submitter. Criteria: Invitae Variant Classification Sherloc (09022015). Collection method: clinical testing. Allele origin: germline.
Comment: In summary, this variant is a novel in-frame deletion with uncertain impact on protein function. It has been classified as a Variant of Uncertain Significance. Experimental studies and prediction algorithms are not available for this variant, and the functional significance of the deleted amino acids is currently unknown. This variant is not present in population databases (ExAC no frequency) and has not been reported in the literature in individuals with a ATM-related disease. This sequence change deletes 9 nucleotides from exon 60 of the ATM mRNA (c.8686_8694delCAGGGCAAA). This leads to the deletion of 3 amino acid residues in the ATM protein (p.Gln2896_Lys2898del) but otherwise preserves the integrity of the reading frame.